The following is an entry in ClinVar:

NM_145290.4(ADGRA3):c.623C>T (p.Thr208Met)

Gene: ADGRA3 (adhesion G protein-coupled receptor A3; minus strand). Cytogenetic location: 4p15.2.
Variant type: single nucleotide variant.
Coding change: c.623C>T on transcript NM_145290.4 (MANE Select); coding-DNA position 623, C replaced by T.
Protein change: p.Thr208Met; replaces threonine 208 with methionine.
Molecular consequence: missense variant.
Genome position (GRCh38, 1-based): chr4:22,445,056, G>A on the plus strand (C>T on the coding strand, the complement: ADGRA3 is on the minus strand). VCF-style: chr4-22445056-G-A. GRCh37 (hg19) VCF-style: chr4-22446679-G-A.
Other names: c.623C>T (NM_145290.2); short protein forms T208M.
Identifiers: ClinVar variation 1045030 (VCV001045030.7), dbSNP rs149598012, ClinGen allele CA2874189.

ClinVar aggregate classification (germline): Uncertain significance. Review status: criteria provided, multiple submitters, no conflicts (2 of 4 stars). 2 submissions from 2 submitters: Uncertain significance (2). Last evaluated 2025-10-09.

Allele frequency attached by ClinVar (database versions not stated): ExAC 0.00007; gnomAD exomes 0.00010 and 0.00021; TOPMed 0.00012; gnomAD 0.00013 and 0.00014; ESP Exome Variant Server 0.00015.
gnomAD v4.1: 324 of 1,613,784 alleles (0.02%); highest among the groups gnomAD compares: Non-Finnish European, 0.026%; no homozygotes.

Submissions (2):

Labcorp Genetics (formerly Invitae), Labcorp
Classification: Uncertain significance. Last evaluated: 2025-10-09. Review status: criteria provided, single submitter. Criteria: Invitae Variant Classification Sherloc (09022015). Collection method: clinical testing. Allele origin: germline.
Comment: This sequence change replaces threonine, which is neutral and polar, with methionine, which is neutral and non-polar, at codon 208 of the ADGRA3 protein (p.Thr208Met). This variant is present in population databases (rs149598012, gnomAD 0.02%). This variant has not been reported in the literature in individuals affected with ADGRA3-related conditions. ClinVar contains an entry for this variant (Variation ID: 1045030). An algorithm developed to predict the effect of missense changes on protein structure and function (PolyPhen-2) suggests that this variant is likely to be tolerated. In summary, the available evidence is currently insufficient to determine the role of this variant in disease. Therefore, it has been classified as a Variant of Uncertain Significance.

Ambry Genetics
Classification: Uncertain significance. Last evaluated: 2024-10-21. Review status: criteria provided, single submitter. Criteria: Ambry Variant Classification Scheme 2023. Collection method: clinical testing. Allele origin: germline.